The following is an entry in ClinVar:

ClinVar aggregate classification (germline): Likely benign. Review status: criteria provided, multiple submitters, no conflicts (2 of 4 stars). 3 submissions from 3 submitters: Likely benign (3). Last evaluated 2025-01-09.

Conditions:
Autosomal recessive limb-girdle muscular dystrophy type 2J (LGMDR10). Also called: MUSCULAR DYSTROPHY, LIMB-GIRDLE, AUTOSOMAL RECESSIVE 10; Limb-girdle muscular dystrophy, type 2J. Identifiers: Orphanet 140922, MedGen C1837342, MONDO:0012127, OMIM 608807.
Dilated cardiomyopathy 1G (CMD1G). Identifiers: Orphanet 154, MedGen C1858763, MONDO:0011400, OMIM 604145.

Allele frequency attached by ClinVar (database versions not stated): gnomAD exomes below 0.00001 and 0.00001; ExAC 0.00002; TOPMed 0.00002; gnomAD 0.00006 and 0.00007; 1000 Genomes Project 30x 0.00016; 1000 Genomes Project 0.00020.
gnomAD v4.1: 12 of 1,604,478 alleles (0.00075%); highest among the groups gnomAD compares: African/African-American, 0.016%; no homozygotes.

Submissions (3):

Women's Health and Genetics/Laboratory Corporation of America, LabCorp
Classification: Likely benign. Last evaluated: 2025-01-09. Review status: criteria provided, single submitter. Criteria: LabCorp Variant Classification Summary - May 2015. Collection method: clinical testing. Allele origin: germline.
Comment: Variant summary: TTN c.32245+19T>C alters a non-conserved nucleotide located at a position not widely known to affect splicing. Consensus agreement among computation tools predict no significant impact on normal splicing (TrAP). However, these predictions have yet to be confirmed by functional studies. The variant allele was found at a frequency of 1.3e-05 in 239852 control chromosomes. The available data on variant occurrences in the general population are insufficient to allow any conclusion about variant significance. To our knowledge, no occurrence of c.32245+19T>C in individuals affected with TTN-related conditions and no experimental evidence demonstrating its impact on protein function have been reported. ClinVar contains an entry for this variant (Variation ID: 512197). Based on the evidence outlined above, the variant was classified as likely benign.

Labcorp Genetics (formerly Invitae), Labcorp
Classification: Likely benign for Dilated cardiomyopathy 1G; Autosomal recessive limb-girdle muscular dystrophy type 2J. Last evaluated: 2024-12-25. Review status: criteria provided, single submitter. Criteria: Invitae Variant Classification Sherloc (09022015). Collection method: clinical testing. Allele origin: germline.

GeneDx
Classification: Likely benign. Last evaluated: 2017-09-19. Review status: criteria provided, single submitter. Criteria: GeneDx Variant Classification (06012015). Collection method: clinical testing. Allele origin: germline. Affected: yes.
Comment: This variant is considered likely benign or benign based on one or more of the following criteria: it is a conservative change, it occurs at a poorly conserved position in the protein, it is predicted to be benign by multiple in silico algorithms, and/or has population frequency not consistent with disease.

NM_001267550.2(TTN):c.39547+19T>C

Gene: TTN (titin; minus strand). Cytogenetic location: 2q31.2.
Variant type: single nucleotide variant.
Coding change: c.39547+19T>C on transcript NM_001267550.2 (MANE Select); 19 bases into the intron after coding-DNA position 39547, T replaced by C.
Molecular consequence: intron variant.
Genome position (GRCh38, 1-based): chr2:178,651,434, A>G on the plus strand (T>C on the coding strand, the complement: TTN is on the minus strand). VCF-style: chr2-178651434-A-G. GRCh37 (hg19) VCF-style: chr2-179516161-A-G.
Other names: c.13283-9117T>C (NM_003319.4); c.13859-9117T>C (NM_133437.4); c.13658-9117T>C (NM_133432.3); c.32245+19T>C (NM_133378.4); c.35026+19T>C (NM_001256850.1).
Identifiers: ClinVar variation 512197 (VCV000512197.11), dbSNP rs559113689, ClinGen allele CA1996678.